The following is an entry in ClinVar:

NM_000051.4(ATM):c.3362A>G (p.Glu1121Gly)

Gene: ATM (ATM serine/threonine kinase; plus strand). Cytogenetic location: 11q22.3.
Variant type: single nucleotide variant.
Coding change: c.3362A>G on transcript NM_000051.4 (MANE Select); coding-DNA position 3362, A replaced by G.
Protein change: p.Glu1121Gly; replaces glutamic acid 1121 with glycine.
Molecular consequence: missense variant.
Genome position (GRCh38, 1-based): chr11:108,279,568, A>G. VCF-style: chr11-108279568-A-G. GRCh37 (hg19) VCF-style: chr11-108150295-A-G.
Other names: c.3362A>G, p.Glu1121Gly (NM_001351834.2); short protein forms E1121G.
Identifiers: ClinVar variation 233736 (VCV000233736.15), dbSNP rs876660607, ClinGen allele CA10579101.
Genomic context (GRCh38, chr11:108,279,568, plus strand): 5'-AGGGAGATTCTTCCAGGTTACTGAAAGCACTTCCTTTGAAGCTTCAGCAAACAGCTTTTG[A>G]AAATGCATACTTGAAAGCTCAGGAAGGAATGAGAGAAATGGTAATTTTAAGTAACATGTA-3'
Protein context (NP_000042.3, residues 1111-1131): LPLKLQQTAF[Glu1121Gly]NAYLKAQEGM

ClinVar aggregate classification (germline): Uncertain significance. Review status: criteria provided, multiple submitters, no conflicts (2 of 4 stars). 3 submissions from 3 submitters: Uncertain significance (2). 1 of the submissions does not count toward it. Last evaluated 2022-02-21.

Conditions:
Hereditary cancer-predisposing syndrome. Also called: Tumor predisposition; Hereditary Cancer Syndrome; Hereditary neoplastic syndrome; Neoplastic Syndromes, Hereditary. Identifiers: Orphanet 140162, MedGen C0027672, MeSH D009386, MONDO:0015356.
Ataxia-telangiectasia syndrome (AT). Also called: Ataxia telangiectasia (A-T); LOUIS-BAR SYNDROME; Cerebello-oculocutaneous telangiectasia; Immunodeficiency with ataxia telangiectasia; ATAXIA-TELANGIECTASIA, COMPLEMENTATION GROUP A; ATAXIA-TELANGIECTASIA, FRESNO VARIANT. Identifiers: Orphanet 100, MedGen C0004135, MONDO:0008840, OMIM 208900.

Submissions (3):

Labcorp Genetics (formerly Invitae), Labcorp
Classification: Uncertain significance for Ataxia-telangiectasia syndrome. Last evaluated: 2022-02-21. Review status: criteria provided, single submitter. Criteria: Invitae Variant Classification Sherloc (09022015). Collection method: clinical testing. Allele origin: germline.
Comment: In summary, the available evidence is currently insufficient to determine the role of this variant in disease. Therefore, it has been classified as a Variant of Uncertain Significance. Advanced modeling of protein sequence and biophysical properties (such as structural, functional, and spatial information, amino acid conservation, physicochemical variation, residue mobility, and thermodynamic stability) performed at Invitae indicates that this missense variant is not expected to disrupt ATM protein function. ClinVar contains an entry for this variant (Variation ID: 233736). This variant has not been reported in the literature in individuals affected with ATM-related conditions. This variant is not present in population databases (gnomAD no frequency). This sequence change replaces glutamic acid, which is acidic and polar, with glycine, which is neutral and non-polar, at codon 1121 of the ATM protein (p.Glu1121Gly).

Ambry Genetics
Classification: Uncertain significance for Hereditary cancer-predisposing syndrome. Last evaluated: 2019-07-22. Review status: criteria provided, single submitter. Criteria: Ambry Variant Classification Scheme 2023. Collection method: clinical testing. Allele origin: germline.
Comment: The p.E1121G variant (also known as c.3362A>G), located in coding exon 22 of the ATM gene, results from an A to G substitution at nucleotide position 3362. The glutamic acid at codon 1121 is replaced by glycine, an amino acid with similar properties. This amino acid position is not well conserved in available vertebrate species. In addition, the in silico prediction for this alteration is inconclusive. Since supporting evidence is limited at this time, the clinical significance of this alteration remains unclear.

Natera, Inc.
Classification: Uncertain significance for Ataxia-telangiectasia. Last evaluated: 2025-05-28. Review status: no assertion criteria provided. Collection method: clinical testing. Allele origin: germline. Not counted in ClinVar's aggregate classification.